The following is an entry in ClinVar:

NM_004260.4(RECQL4):c.1753G>C (p.Val585Leu)

Gene: RECQL4 (RecQ like helicase 4; minus strand). Cytogenetic location: 8q24.3.
Variant type: single nucleotide variant.
Coding change: c.1753G>C on transcript NM_004260.4 (MANE Select); coding-DNA position 1753, G replaced by C.
Protein change: p.Val585Leu; replaces valine 585 with leucine.
Molecular consequence: missense variant.
Genome position (GRCh38, 1-based): chr8:144,514,314, C>G on the plus strand (G>C on the coding strand, the complement: RECQL4 is on the minus strand). VCF-style: chr8-144514314-C-G. GRCh37 (hg19) VCF-style: chr8-145739698-C-G.
Other names: c.1657G>C, p.Val553Leu (NM_001413017.1, NM_001413020.1); c.1753G>C, p.Val585Leu (NM_001413018.1, NM_001413019.1, NM_001413036.1); c.682G>C, p.Val228Leu (NM_001413021.1, NM_001413022.1, NM_001413023.1 and 6 more transcripts); c.1624G>C, p.Val542Leu (NM_001413025.1); c.616G>C, p.Val206Leu (NM_001413027.1, NM_001413030.1, NM_001413032.1 and 1 more transcripts); c.1402G>C, p.Val468Leu (NM_001413029.1); c.1723G>C, p.Val575Leu (NM_001413039.1); c.652G>C, p.Val218Leu (NM_001413042.1); and 2 more; short protein forms V575L, V206L, V228L, V468L, V553L, V585L, V96L, V542L.
Identifiers: ClinVar variation 1915727 (VCV001915727.6), dbSNP rs770367395, ClinGen allele CA4948673.

ClinVar aggregate classification (germline): Uncertain significance. Review status: criteria provided, multiple submitters, no conflicts (2 of 4 stars). 2 submissions from 2 submitters: Uncertain significance (2). Last evaluated 2025-02-21.

Conditions:
Baller-Gerold syndrome (BGS). Also called: CRANIOSYNOSTOSIS WITH RADIAL DEFECTS. Identifiers: Orphanet 1225, MedGen C0265308, MONDO:0009039, OMIM 218600.
Inborn genetic diseases. Identifiers: MedGen C0950123, MeSH D030342.

Allele frequency attached by ClinVar (database versions not stated): ExAC 0.00001.
gnomAD v4.1: 3 of 1,609,680 alleles (0.00019%); highest among the groups gnomAD compares: South Asian, 0.0033%; no homozygotes.

Submissions (2):

Ambry Genetics
Classification: Uncertain significance for Inborn genetic diseases. Last evaluated: 2025-02-21. Review status: criteria provided, single submitter. Criteria: Ambry Variant Classification Scheme 2023. Collection method: clinical testing. Allele origin: germline.
Comment: The p.V585L variant (also known as c.1753G>C), located in coding exon 11 of the RECQL4 gene, results from a G to C substitution at nucleotide position 1753. The valine at codon 585 is replaced by leucine, an amino acid with highly similar properties. This amino acid position is conserved. In addition, this alteration is predicted to be tolerated by in silico analysis. Based on the available evidence, the clinical significance of this variant remains unclear.

Labcorp Genetics (formerly Invitae), Labcorp
Classification: Uncertain significance for Baller-Gerold syndrome. Last evaluated: 2022-09-06. Review status: criteria provided, single submitter. Criteria: Invitae Variant Classification Sherloc (09022015). Collection method: clinical testing. Allele origin: germline.
Comment: This variant is present in population databases (rs770367395, gnomAD 0.003%). This sequence change replaces valine, which is neutral and non-polar, with leucine, which is neutral and non-polar, at codon 585 of the RECQL4 protein (p.Val585Leu). This variant has not been reported in the literature in individuals affected with RECQL4-related conditions. Experimental studies and prediction algorithms are not available or were not evaluated, and the functional significance of this variant is currently unknown. In summary, the available evidence is currently insufficient to determine the role of this variant in disease. Therefore, it has been classified as a Variant of Uncertain Significance.